The following is an entry in ClinVar:

NM_022725.4(FANCF):c.1103G>A (p.Ser368Asn)

Gene: FANCF (FA complementation group F; minus strand). Cytogenetic location: 11p14.3.
Variant type: single nucleotide variant.
Coding change: c.1103G>A on transcript NM_022725.4 (MANE Select); coding-DNA position 1103, G replaced by A.
Protein change: p.Ser368Asn; replaces serine 368 with asparagine.
Molecular consequence: missense variant.
Genome position (GRCh38, 1-based): chr11:22,624,708, C>T on the plus strand (G>A on the coding strand, the complement: FANCF is on the minus strand). VCF-style: chr11-22624708-C-T. GRCh37 (hg19) VCF-style: chr11-22646254-C-T.
Other names: short protein forms S368N.
Identifiers: ClinVar variation 3666745 (VCV003666745.2).

ClinVar aggregate classification (germline): Uncertain significance (1 of 4 stars; one submission).

Conditions:
Fanconi anemia (FA). Also called: Fanconi's anemia. Identifiers: Orphanet 84, MedGen C0015625, MeSH D005199, MONDO:0019391.

gnomAD v4.1: 2 of 1,614,182 alleles (0.00012%); no homozygotes.

Submission:

Labcorp Genetics (formerly Invitae), Labcorp
Classification: Uncertain significance for Fanconi anemia. Last evaluated: 2025-04-22. Review status: criteria provided, single submitter. Criteria: Invitae Variant Classification Sherloc (09022015). Collection method: clinical testing. Allele origin: germline.
Comment: This sequence change replaces serine, which is neutral and polar, with asparagine, which is neutral and polar, at codon 368 of the FANCF protein (p.Ser368Asn). This variant is not present in population databases (gnomAD no frequency). This variant has not been reported in the literature in individuals affected with FANCF-related conditions. ClinVar contains an entry for this variant (Variation ID: 3666745). An algorithm developed to predict the effect of missense changes on protein structure and function (PolyPhen-2) suggests that this variant is likely to be tolerated. In summary, the available evidence is currently insufficient to determine the role of this variant in disease. Therefore, it has been classified as a Variant of Uncertain Significance.